The following is an entry in ClinVar:

NM_007373.4(SHOC2):c.109G>C (p.Glu37Gln)

Gene: SHOC2 (SHOC2 leucine rich repeat scaffold protein; plus strand). Cytogenetic location: 10q25.2.
Variant type: single nucleotide variant.
Coding change: c.109G>C on transcript NM_007373.4 (MANE Select); coding-DNA position 109, G replaced by C.
Protein change: p.Glu37Gln; replaces glutamic acid 37 with glutamine.
Molecular consequence: missense variant.
Genome position (GRCh38, 1-based): chr10:110,964,467, G>C. VCF-style: chr10-110964467-G-C. GRCh37 (hg19) VCF-style: chr10-112724225-G-C.
Other names: c.109G>C, p.Glu37Gln (NM_001269039.3, NM_001324336.2, NM_001324337.2); short protein forms E37Q.
Identifiers: ClinVar variation 496405 (VCV000496405.1), dbSNP rs1170704957, ClinGen allele CA378381409.
Genomic context (GRCh38, chr10:110,964,467, plus strand): 5'-AAAGTACCATCAGCCAAGGAAAGAGAAAAGGAGGCAAAAGCCTCTGGAGGTTTTGGGAAA[G>C]AGAGCAAAGAAAAAGAACCTAAGACCAAAGGGAAAGATGCCAAAGATGGAAAGAAGGACT-3'
Protein context (NP_031399.2, residues 27-47): EAKASGGFGK[Glu37Gln]SKEKEPKTKG

ClinVar aggregate classification (germline): Uncertain significance (1 of 4 stars; one submission).

Allele frequency attached by ClinVar (database versions not stated): gnomAD exomes below 0.00001 and 0.00001.
gnomAD v4.1: 2 of 1,613,958 alleles (0.00012%); highest among the groups gnomAD compares: East Asian, 0.0045%; no homozygotes.

Submission:

Women's Health and Genetics/Laboratory Corporation of America, LabCorp
Classification: Uncertain significance. Last evaluated: 2016-05-30. Review status: criteria provided, single submitter. Criteria: LabCorp Variant Classification Summary - May 2015. Collection method: clinical testing. Allele origin: germline.
Comment: Variant summary: The SHOC2 c.109G>C (p.Glu37Gln) variant involves the alteration of a highly conserved nucleotide. 3/4 in silico tools predict a benign outcome (SNPs&GO not captured due to low reliability index). This variant is absent in 119836 control chromosomes from ExAC. The variant of interest is located outside of any known functional domain and has not, to our knowledge, been reported in affected individuals via publications and/or reputable databases/clinical diagnostic laboratories, nor evaluated for functional impact by in vivo/vitro studies. Due to the absence of clinical information and lack of functional studies, the variant is currently classified as a variant of uncertain significance (VUS) until additional information becomes available.